The following is an entry in ClinVar:

NM_001089.3(ABCA3):c.5098G>A (p.Ala1700Thr)

Gene: ABCA3 (ATP binding cassette subfamily A member 3; minus strand). Cytogenetic location: 16p13.3.
Variant type: single nucleotide variant.
Coding change: c.5098G>A on transcript NM_001089.3 (MANE Select); coding-DNA position 5098, G replaced by A.
Protein change: p.Ala1700Thr; replaces alanine 1700 with threonine.
Molecular consequence: missense variant.
Genome position (GRCh38, 1-based): chr16:2,276,691, C>T on the plus strand (G>A on the coding strand, the complement: ABCA3 is on the minus strand). VCF-style: chr16-2276691-C-T. GRCh37 (hg19) VCF-style: chr16-2326692-C-T.
Other names: short protein forms A1700T.
Identifiers: ClinVar variation 318391 (VCV000318391.9), dbSNP rs745625493, ClinGen allele CA7839898.
Genomic context (GRCh38, chr16:2,276,691, plus strand): 5'-TGCCCGTCCTGTCCCTGCCTGATGGCGAGACAGCCGCCACCCCTCATCGCCCCTCCTCTG[C>T]GGTGGGCGGCTGCAGGTGGGCGAAGCTCAGGAAGACCTGTTCCAGCGAGATCTGGCTCAC-3'
Protein context (NP_001080.2, residues 1690-1704): LSFAHLQPPT[Ala1700Thr]EEGR

ClinVar aggregate classification (germline): Uncertain significance. Review status: criteria provided, multiple submitters, no conflicts (2 of 4 stars). 3 submissions from 3 submitters: Uncertain significance (3). Last evaluated 2025-06-09.

Conditions:
Hereditary pulmonary alveolar proteinosis. Also called: Pulmonary surfactant metabolism dysfunction. Identifiers: Orphanet 264675, MedGen C3711368, MONDO:0012580.
Interstitial lung disease due to ABCA3 deficiency. Also called: PULMONARY ALVEOLAR PROTEINOSIS, CONGENITAL, 3. Identifiers: Orphanet 440402, MedGen C1970456, MONDO:0012582, OMIM 610921.

Allele frequency attached by ClinVar (database versions not stated): ExAC 0.00001; TOPMed 0.00002; gnomAD exomes 0.00003.
gnomAD v4.1: 24 of 1,613,472 alleles (0.0015%); highest among the groups gnomAD compares: East Asian, 0.0067%; no homozygotes.

Submissions (3):

Ambry Genetics
Classification: Uncertain significance for Hereditary pulmonary alveolar proteinosis. Last evaluated: 2025-06-09. Review status: criteria provided, single submitter. Criteria: Ambry Variant Classification Scheme 2023. Collection method: clinical testing. Allele origin: germline.

GeneDx
Classification: Uncertain significance. Last evaluated: 2022-06-09. Review status: criteria provided, single submitter. Criteria: GeneDx Variant Classification Process June 2021. Collection method: clinical testing. Allele origin: germline. Affected: yes.
Comment: In silico analysis supports that this missense variant does not alter protein structure/function; Has not been previously published as pathogenic or benign to our knowledge

Illumina Laboratory Services, Illumina
Classification: Uncertain significance for Interstitial lung disease due to ABCA3 deficiency. Last evaluated: 2018-01-13. Review status: criteria provided, single submitter. Criteria: ICSL Variant Classification Criteria 13 December 2019. Collection method: clinical testing. Allele origin: germline.